The following is an entry in ClinVar:

NM_015338.6(ASXL1):c.2408A>C (p.Gln803Pro)

Gene: ASXL1 (ASXL transcriptional regulator 1; plus strand). Cytogenetic location: 20q11.21.
Variant type: single nucleotide variant.
Coding change: c.2408A>C on transcript NM_015338.6 (MANE Select); coding-DNA position 2408, A replaced by C.
Protein change: p.Gln803Pro; replaces glutamine 803 with proline.
Molecular consequence: missense variant.
Genome position (GRCh38, 1-based): chr20:32,435,120, A>C. VCF-style: chr20-32435120-A-C. GRCh37 (hg19) VCF-style: chr20-31022923-A-C.
Other names: c.2225A>C, p.Gln742Pro (NM_001363734.1); short protein forms Q742P, Q803P.
Identifiers: ClinVar variation 4827400 (VCV004827400.1).
Genomic context (GRCh38, chr20:32,435,120, plus strand): 5'-CGGATGTTAGAACTGAATGTGAGTCTGGCACCACTTCCTGGGAAAGTGATGATGAGGAGC[A>C]AGGACCCACCGTTCCTGCAGACAATGGTCCCATTCCGTCTCTAGTGGGAGATGATACATT-3'
Protein context (NP_056153.2, residues 793-813): TTSWESDDEE[Gln803Pro]GPTVPADNGP

ClinVar aggregate classification (germline): Uncertain significance (1 of 4 stars; one submission).

Conditions:
Inborn genetic diseases. Identifiers: MedGen C0950123, MeSH D030342.

Submission:

Ambry Genetics
Classification: Uncertain significance for Inborn genetic diseases. Last evaluated: 2026-03-03. Review status: criteria provided, single submitter. Criteria: Ambry Variant Classification Scheme 2023. Collection method: clinical testing. Allele origin: germline.
Comment: The p.Q803P variant (also known as c.2408A>C), located in coding exon 13 of the ASXL1 gene, results from an A to C substitution at nucleotide position 2408. The glutamine at codon 803 is replaced by proline, an amino acid with similar properties. This amino acid position is conserved. In addition, this alteration is predicted to be tolerated by in silico analysis. Based on the available evidence, the clinical significance of this variant remains unclear.